The following is an entry in ClinVar:

NM_022166.4(XYLT1):c.412T>C (p.Phe138Leu)

Genes: XYLT1 (xylosyltransferase 1; minus strand), LOC130058566 (ATAC-STARR-seq lymphoblastoid active region 10505; plus strand). Cytogenetic location: 16p12.3.
Variant type: single nucleotide variant.
Coding change: c.412T>C on transcript NM_022166.4 (MANE Select); coding-DNA position 412, T replaced by C.
Protein change: p.Phe138Leu; replaces phenylalanine 138 with leucine.
Molecular consequence: missense variant.
Genome position (GRCh38, 1-based): chr16:17,259,489, A>G on the plus strand (T>C on the coding strand, the complement: XYLT1 is on the minus strand). VCF-style: chr16-17259489-A-G. GRCh37 (hg19) VCF-style: chr16-17353346-A-G.
Other names: short protein forms F138L.
Identifiers: ClinVar variation 999765 (VCV000999765.9), dbSNP rs2033690309, ClinGen allele CA394893097.

ClinVar aggregate classification (germline): Uncertain significance (1 of 4 stars; one submission).

Conditions:
Desbuquois dysplasia 1 (DBQD1). Also called: MICROMELIC DWARFISM WITH VERTEBRAL AND METAPHYSEAL ABNORMALITIES AND ADVANCED CARPOTARSAL OSSIFICATION; DESBUQUOIS DYSPLASIA 1, KIM VARIANT. Identifiers: Orphanet 1425, MedGen C4012146, MONDO:0009629, OMIM 251450.

Allele frequency attached by ClinVar (database versions not stated): gnomAD exomes 0.00001.
gnomAD v4.1: 15 of 1,606,892 alleles (0.00093%); highest among the groups gnomAD compares: Non-Finnish European, 0.0013%; no homozygotes.

Submission:

Labcorp Genetics (formerly Invitae), Labcorp
Classification: Uncertain significance for Desbuquois dysplasia 1. Last evaluated: 2022-07-12. Review status: criteria provided, single submitter. Criteria: Invitae Variant Classification Sherloc (09022015). Collection method: clinical testing. Allele origin: germline.
Comment: This variant is not present in population databases (gnomAD no frequency). In summary, the available evidence is currently insufficient to determine the role of this variant in disease. Therefore, it has been classified as a Variant of Uncertain Significance. Algorithms developed to predict the effect of missense changes on protein structure and function output the following: SIFT: "Tolerated"; PolyPhen-2: "Benign"; Align-GVGD: "Class C0". The leucine amino acid residue is found in multiple mammalian species, which suggests that this missense change does not adversely affect protein function. ClinVar contains an entry for this variant (Variation ID: 999765). This variant has not been reported in the literature in individuals affected with XYLT1-related conditions. This sequence change replaces phenylalanine, which is neutral and non-polar, with leucine, which is neutral and non-polar, at codon 138 of the XYLT1 protein (p.Phe138Leu).